The following is an entry in ClinVar:

ClinVar aggregate classification (germline): Uncertain significance (1 of 4 stars; one submission).

gnomAD v4.1: 2 of 1,609,044 alleles (0.00012%); highest among the groups gnomAD compares: Non-Finnish European, 0.000085%; no homozygotes.

Submission:

Labcorp Genetics (formerly Invitae), Labcorp
Classification: Uncertain significance. Last evaluated: 2025-01-27. Review status: criteria provided, single submitter. Criteria: Invitae Variant Classification Sherloc (09022015). Collection method: clinical testing. Allele origin: germline.
Comment: This sequence change falls in intron 10 of the P4HB gene. It does not directly change the encoded amino acid sequence of the P4HB protein. It affects a nucleotide within the consensus splice site. This variant is not present in population databases (gnomAD no frequency). This variant has not been reported in the literature in individuals affected with P4HB-related conditions. Variants that disrupt the consensus splice site are a relatively common cause of aberrant splicing (PMID: 17576681, 9536098). Algorithms developed to predict the effect of sequence changes on RNA splicing suggest that this variant is not likely to affect RNA splicing. In summary, the available evidence is currently insufficient to determine the role of this variant in disease. Therefore, it has been classified as a Variant of Uncertain Significance.

Literature cited by the submitters: PubMed 17576681; PubMed 9536098.

NM_000918.4(P4HB):c.1447-3C>T

Gene: P4HB (prolyl 4-hydroxylase subunit beta; minus strand). Cytogenetic location: 17q25.3.
Variant type: single nucleotide variant.
Coding change: c.1447-3C>T on transcript NM_000918.4 (MANE Select); 3 bases into the intron before coding-DNA position 1447, C replaced by T.
Molecular consequence: intron variant.
Genome position (GRCh38, 1-based): chr17:81,844,095, G>A on the plus strand (C>T on the coding strand, the complement: P4HB is on the minus strand). VCF-style: chr17-81844095-G-A. GRCh37 (hg19) VCF-style: chr17-79801971-G-A.
Identifiers: ClinVar variation 4711923 (VCV004711923.1).